The following is an entry in ClinVar:

ClinVar aggregate classification (germline): Likely pathogenic (1 of 4 stars; one submission).

Conditions:
Autosomal dominant Alport syndrome (ATS3A). Also called: Alport syndrome dominant type; Renal failure and sensorineural hearing loss; ALPORT SYNDROME 3A, AUTOSOMAL DOMINANT. Identifiers: Orphanet 63, Orphanet 88918, MedGen C5882663, MONDO:0007086, OMIM 104200.

Submission:

Clinical Genetics Laboratory, Skane University Hospital Lund
Classification: Likely pathogenic for Autosomal dominant Alport syndrome. Last evaluated: 2026-04-22. Review status: criteria provided, single submitter. Criteria: ACMG Guidelines, 2015. Collection method: clinical testing. Allele origin: germline. Affected: yes.
Comment: ACMG criteria used: PM1_Strong, PM2, PP3

NM_000091.5(COL4A3):c.3079G>C (p.Gly1027Arg)

Genes: COL4A3 (collagen type IV alpha 3 chain; plus strand), MFF-DT (MFF divergent transcript; minus strand). Cytogenetic location: 2q36.3.
Variant type: single nucleotide variant.
Coding change: c.3079G>C on transcript NM_000091.5 (MANE Select); coding-DNA position 3079, G replaced by C.
Protein change: p.Gly1027Arg; replaces glycine 1027 with arginine.
Molecular consequence: missense variant.
Genome position (GRCh38, 1-based): chr2:227,290,755, G>C. VCF-style: chr2-227290755-G-C. GRCh37 (hg19) VCF-style: chr2-228155471-G-C.
Other names: short protein forms G1027R.
Identifiers: ClinVar variation 4820575 (VCV004820575.1).